The following is an entry in ClinVar:

NM_000245.4(MET):c.2657A>G (p.His886Arg)

Gene: MET (MET proto-oncogene, receptor tyrosine kinase; plus strand). Cytogenetic location: 7q31.2.
Variant type: single nucleotide variant.
Coding change: c.2657A>G on transcript NM_000245.4 (MANE Select); coding-DNA position 2657, A replaced by G.
Protein change: p.His886Arg; replaces histidine 886 with arginine.
Molecular consequence: missense variant.
Genome position (GRCh38, 1-based): chr7:116,769,718, A>G. VCF-style: chr7-116769718-A-G. GRCh37 (hg19) VCF-style: chr7-116409772-A-G.
Other names: c.2711A>G, p.His904Arg (NM_001127500.3); c.2657A>G, p.His886Arg (NM_001324401.3); c.1367A>G, p.His456Arg (NM_001324402.2); c.2711A>G (NM_001127500.1); short protein forms H456R, H904R, H886R.
Identifiers: ClinVar variation 1361011 (VCV001361011.10), dbSNP rs2116983578, ClinGen allele CA368985585.

ClinVar aggregate classification (germline): Conflicting classifications of pathogenicity. Review status: criteria provided, conflicting classifications (1 of 4 stars). 2 submissions from 2 submitters: Uncertain significance (1); Likely benign (1). Last evaluated 2026-09-11.

Conditions:
Renal cell carcinoma. Identifiers: Orphanet 217071, MedGen C0007134, MeSH D002292, MONDO:0005086, HP:0005584.
Hereditary cancer-predisposing syndrome. Also called: Hereditary Cancer Syndrome; Neoplastic Syndromes, Hereditary; Hereditary neoplastic syndrome; Tumor predisposition. Identifiers: Orphanet 140162, MedGen C0027672, MeSH D009386, MONDO:0015356.

Submissions (2):

Ambry Genetics
Classification: Likely benign for Hereditary cancer-predisposing syndrome. Last evaluated: 2026-09-11. Review status: criteria provided, single submitter. Criteria: Ambry Variant Classification Scheme 2023. Collection method: clinical testing. Allele origin: germline.

Labcorp Genetics (formerly Invitae), Labcorp
Classification: Uncertain significance for Renal cell carcinoma. Last evaluated: 2021-06-14. Review status: criteria provided, single submitter. Criteria: Invitae Variant Classification Sherloc (09022015). Collection method: clinical testing. Allele origin: germline.
Comment: This variant has not been reported in the literature in individuals with MET-related conditions. Algorithms developed to predict the effect of missense changes on protein structure and function output the following: SIFT: "Tolerated"; PolyPhen-2: "Benign"; Align-GVGD: "Class C0". The arginine amino acid residue is found in multiple mammalian species, suggesting that this missense change does not adversely affect protein function. These predictions have not been confirmed by published functional studies and their clinical significance is uncertain. In summary, the available evidence is currently insufficient to determine the role of this variant in disease. Therefore, it has been classified as a Variant of Uncertain Significance. This variant is not present in population databases (ExAC no frequency). This sequence change replaces histidine with arginine at codon 904 of the MET protein (p.His904Arg). The histidine residue is weakly conserved and there is a small physicochemical difference between histidine and arginine.